The following is an entry in ClinVar:

ClinVar aggregate classification (germline): Uncertain significance (1 of 4 stars; one submission).

gnomAD v4.1: 14 of 1,613,900 alleles (0.00087%); highest among the groups gnomAD compares: African/African-American, 0.0027%; no homozygotes.

Submission:

GeneDx
Classification: Uncertain significance. Last evaluated: 2025-07-29. Review status: criteria provided, single submitter. Criteria: GeneDx Variant Classification Process June 2021. Collection method: clinical testing. Allele origin: germline. Affected: yes.
Comment: Not observed at significant frequency in large population cohorts (gnomAD); In silico analysis supports that this missense variant has a deleterious effect on protein structure/function; Has not been previously published as pathogenic or benign to our knowledge

NM_004736.4(XPR1):c.1709G>A (p.Arg570His)

Gene: XPR1 (xenotropic and polytropic retrovirus receptor 1; plus strand). Cytogenetic location: 1q25.3.
Variant type: single nucleotide variant.
Coding change: c.1709G>A on transcript NM_004736.4 (MANE Select); coding-DNA position 1709, G replaced by A.
Protein change: p.Arg570His; replaces arginine 570 with histidine.
Molecular consequence: missense variant. On other transcripts: non-coding transcript variant (1).
Genome position (GRCh38, 1-based): chr1:180,873,843, G>A. VCF-style: chr1-180873843-G-A. GRCh37 (hg19) VCF-style: chr1-180842979-G-A.
Other names: c.1514G>A, p.Arg505His (NM_001135669.2); short protein forms R505H, R570H.
Identifiers: ClinVar variation 4689938 (VCV004689938.1).